The following is an entry in ClinVar:

ClinVar aggregate classification (germline): Uncertain significance (1 of 4 stars; one submission).

Submission:

Labcorp Genetics (formerly Invitae), Labcorp
Classification: Uncertain significance. Last evaluated: 2023-05-22. Review status: criteria provided, single submitter. Criteria: Invitae Variant Classification Sherloc (09022015). Collection method: clinical testing. Allele origin: germline.
Comment: This variant has not been reported in the literature in individuals affected with ATAD1-related conditions. This variant is not present in population databases (gnomAD no frequency). This sequence change affects a donor splice site in intron 8 of the ATAD1 gene. It is expected to disrupt RNA splicing. Variants that disrupt the donor or acceptor splice site typically lead to a loss of protein function (PMID: 16199547), however the current clinical and genetic evidence is not sufficient to establish whether loss-of-function variants in ATAD1 cause disease. ClinVar contains an entry for this variant (Variation ID: 1973554). In summary, the available evidence is currently insufficient to determine the role of this variant in disease. Therefore, it has been classified as a Variant of Uncertain Significance. Algorithms developed to predict the effect of sequence changes on RNA splicing suggest that this variant may disrupt the consensus splice site.

Literature cited by the submitters: PubMed 16199547.

NM_001321967.2(ATAD1):c.831+1G>A

Gene: ATAD1 (ATPase family AAA domain containing 1; minus strand). Cytogenetic location: 10q23.31.
Variant type: single nucleotide variant.
Coding change: c.831+1G>A on transcript NM_001321967.2 (MANE Select); the canonical splice donor site of the intron after coding-DNA position 831, G replaced by A.
Molecular consequence: splice donor variant.
Genome position (GRCh38, 1-based): chr10:87,767,672, C>T on the plus strand (G>A on the coding strand, the complement: ATAD1 is on the minus strand). VCF-style: chr10-87767672-C-T. GRCh37 (hg19) VCF-style: chr10-89527429-C-T.
Other names: c.741+1G>A (NM_001321968.2); c.474+1G>A (NM_001321969.2); c.831+1G>A (NM_032810.4).
Identifiers: ClinVar variation 1973554 (VCV001973554.5), dbSNP rs2493005905, ClinGen allele CA377488563.